The following is an entry in ClinVar:

NM_015404.4(WHRN):c.587T>C (p.Leu196Pro)

Gene: WHRN (whirlin; minus strand). Cytogenetic location: 9q32.
Variant type: single nucleotide variant.
Coding change: c.587T>C on transcript NM_015404.4 (MANE Select); coding-DNA position 587, T replaced by C.
Protein change: p.Leu196Pro; replaces leucine 196 with proline.
Molecular consequence: missense variant.
Genome position (GRCh38, 1-based): chr9:114,504,215, A>G on the plus strand (T>C on the coding strand, the complement: WHRN is on the minus strand). VCF-style: chr9-114504215-A-G. GRCh37 (hg19) VCF-style: chr9-117266495-A-G.
Other names: c.587T>C, p.Leu196Pro (NM_001173425.2); short protein forms L196P.
Identifiers: ClinVar variation 954852 (VCV000954852.7), dbSNP rs1844185912, ClinGen allele CA374611723.

ClinVar aggregate classification (germline): Uncertain significance (1 of 4 stars; one submission).

Submission:

Labcorp Genetics (formerly Invitae), Labcorp
Classification: Uncertain significance. Last evaluated: 2022-07-11. Review status: criteria provided, single submitter. Criteria: Invitae Variant Classification Sherloc (09022015). Collection method: clinical testing. Allele origin: germline.
Comment: This variant is not present in population databases (gnomAD no frequency). This sequence change replaces leucine, which is neutral and non-polar, with proline, which is neutral and non-polar, at codon 196 of the WHRN protein (p.Leu196Pro). This variant has not been reported in the literature in individuals affected with WHRN-related conditions. ClinVar contains an entry for this variant (Variation ID: 954852). Algorithms developed to predict the effect of missense changes on protein structure and function (SIFT, PolyPhen-2, Align-GVGD) all suggest that this variant is likely to be disruptive. In summary, the available evidence is currently insufficient to determine the role of this variant in disease. Therefore, it has been classified as a Variant of Uncertain Significance.